The following is an entry in ClinVar:

ClinVar aggregate classification (germline): Pathogenic (1 of 4 stars; one submission).

Submission:

Labcorp Genetics (formerly Invitae), Labcorp
Classification: Pathogenic. Last evaluated: 2023-10-26. Review status: criteria provided, single submitter. Criteria: Invitae Variant Classification Sherloc (09022015). Collection method: clinical testing. Allele origin: germline.
Comment: This sequence change creates a premature translational stop signal (p.Ser1024*) in the TG gene. It is expected to result in an absent or disrupted protein product. Loss-of-function variants in TG are known to be pathogenic (PMID: 19837936, 23164529). This variant is not present in population databases (gnomAD no frequency). This variant has not been reported in the literature in individuals affected with TG-related conditions. Algorithms developed to predict the effect of sequence changes on RNA splicing suggest that this variant may disrupt the consensus splice site. For these reasons, this variant has been classified as Pathogenic.

Literature cited by the submitters: PubMed 19837936; PubMed 23164529.

NM_003235.5(TG):c.3071C>A (p.Ser1024Ter)

Gene: TG (thyroglobulin; plus strand). Cytogenetic location: 8q24.22.
Variant type: single nucleotide variant.
Coding change: c.3071C>A on transcript NM_003235.5 (MANE Select); coding-DNA position 3071, C replaced by A.
Protein change: p.Ser1024Ter; replaces serine 1024 with a stop codon.
Molecular consequence: nonsense.
Genome position (GRCh38, 1-based): chr8:132,897,718, C>A. VCF-style: chr8-132897718-C-A. GRCh37 (hg19) VCF-style: chr8-133909963-C-A.
Other names: short protein forms S1024*.
Identifiers: ClinVar variation 2771900 (VCV002771900.3), dbSNP rs962077113, ClinGen allele CA372240094.